The following is an entry in ClinVar:

ClinVar aggregate classification (germline): Uncertain significance (1 of 4 stars; one submission).

Submission:

Labcorp Genetics (formerly Invitae), Labcorp
Classification: Uncertain significance. Last evaluated: 2023-07-28. Review status: criteria provided, single submitter. Criteria: Invitae Variant Classification Sherloc (09022015). Collection method: clinical testing. Allele origin: germline.
Comment: This sequence change replaces isoleucine, which is neutral and non-polar, with asparagine, which is neutral and polar, at codon 318 of the CHM protein (p.Ile318Asn). This variant is not present in population databases (gnomAD no frequency). This variant has not been reported in the literature in individuals affected with CHM-related conditions. Advanced modeling of protein sequence and biophysical properties (such as structural, functional, and spatial information, amino acid conservation, physicochemical variation, residue mobility, and thermodynamic stability) performed at Invitae indicates that this missense variant is not expected to disrupt CHM protein function. In summary, the available evidence is currently insufficient to determine the role of this variant in disease. Therefore, it has been classified as a Variant of Uncertain Significance.

NM_000390.4(CHM):c.953T>A (p.Ile318Asn)

Gene: CHM (CHM Rab escort protein; minus strand). Cytogenetic location: Xq21.2.
Variant type: single nucleotide variant.
Coding change: c.953T>A on transcript NM_000390.4 (MANE Select); coding-DNA position 953, T replaced by A.
Protein change: p.Ile318Asn; replaces isoleucine 318 with asparagine.
Molecular consequence: missense variant.
Genome position (GRCh38, 1-based): chrX:85,956,366, A>T on the plus strand (T>A on the coding strand, the complement: CHM is on the minus strand). VCF-style: chrX-85956366-A-T. GRCh37 (hg19) VCF-style: chrX-85211371-A-T.
Other names: c.509T>A, p.Ile170Asn (NM_001320959.1, NM_001362517.1, NM_001362518.2 and 1 more transcripts); short protein forms I170N, I318N.
Identifiers: ClinVar variation 2747979 (VCV002747979.3), dbSNP rs2520253269, ClinGen allele CA413785543.
Genomic context (GRCh38, chrX:85,956,366, plus strand): 5'-ATGACAATATATTGGAGGTTGGGGGTTAATTTTTGAGTCTTTAAATATTCATAAAATGTG[A>T]TCTCTTCATATCCTATGAAAAGATGAAATTTTATCACTTAAAATCAGAACTAAACTTCTA-3'
Protein context (NP_000381.1, residues 308-328): YPDEYKGYEE[Ile318Asn]TFYEYLKTQK